The following is an entry in ClinVar:

ClinVar aggregate classification (germline): Benign (1 of 4 stars; one submission).

Allele frequency attached by ClinVar (database versions not stated): 1000 Genomes Project 0.00319; 1000 Genomes Project 30x 0.00328; TOPMed 0.00551; gnomAD 0.00578; ExAC 0.00651; ESP Exome Variant Server 0.00707; gnomAD exomes 0.00968.
gnomAD v4.1: 14,912 of 1,613,834 alleles (0.92%); highest among the groups gnomAD compares: Non-Finnish European, 1.2%; 83 homozygotes.

Submission:

CeGaT Center for Human Genetics Tuebingen
Classification: Benign. Last evaluated: 2024-07-01. Review status: criteria provided, single submitter. Criteria: CeGaT Center For Human Genetics Tuebingen Variant Classification Criteria Version 2. Collection method: clinical testing. Allele origin: germline. Affected: yes. Observed: 2 variant alleles.
Comment: KIF24: BP4, BS1, BS2

NM_194313.4(KIF24):c.3617T>G (p.Leu1206Arg)

Gene: KIF24 (kinesin family member 24; minus strand). Cytogenetic location: 9p13.3.
Variant type: single nucleotide variant.
Coding change: c.3617T>G on transcript NM_194313.4 (MANE Select); coding-DNA position 3617, T replaced by G.
Protein change: p.Leu1206Arg; replaces leucine 1206 with arginine.
Molecular consequence: missense variant.
Genome position (GRCh38, 1-based): chr9:34,255,990, A>C on the plus strand (T>G on the coding strand, the complement: KIF24 is on the minus strand). VCF-style: chr9-34255990-A-C. GRCh37 (hg19) VCF-style: chr9-34255988-A-C.
Other names: short protein forms L1206R.
Identifiers: ClinVar variation 3024785 (VCV003024785.22), dbSNP rs41274039, ClinGen allele CA5031737.